The following is an entry in ClinVar:

ClinVar aggregate classification (germline): Likely benign (1 of 4 stars; one submission).

gnomAD v4.1: 61 of 1,614,014 alleles (0.0038%); highest among the groups gnomAD compares: South Asian, 0.056%; no homozygotes.

Submission:

CeGaT Center for Human Genetics Tuebingen
Classification: Likely benign. Last evaluated: 2025-07-01. Review status: criteria provided, single submitter. Criteria: CeGaT Center For Human Genetics Tuebingen Variant Classification Criteria Version 2. Collection method: clinical testing. Allele origin: germline. Affected: yes. Observed: 1 variant allele.
Comment: ZFYVE1: BP4, BP7

NM_021260.4(ZFYVE1):c.2148C>T (p.His716=)

Gene: ZFYVE1 (zinc finger FYVE-type containing 1; minus strand). Cytogenetic location: 14q24.2.
Variant type: single nucleotide variant.
Coding change: c.2148C>T on transcript NM_021260.4 (MANE Select); coding-DNA position 2148, C replaced by T.
Protein change: p.His716=; no amino-acid change (histidine 716 retained).
Molecular consequence: synonymous variant.
Genome position (GRCh38, 1-based): chr14:72,971,068, G>A on the plus strand (C>T on the coding strand, the complement: ZFYVE1 is on the minus strand). VCF-style: chr14-72971068-G-A. GRCh37 (hg19) VCF-style: chr14-73437776-G-A.
Other names: c.2106C>T, p.His702= (NM_001281734.2); c.903C>T, p.His301= (NM_001281735.1, NM_178441.2).
Identifiers: ClinVar variation 3905287 (VCV003905287.10).